The following is an entry in ClinVar:

ClinVar aggregate classification (germline): Uncertain significance (1 of 4 stars; one submission).

Submission:

Women's Health and Genetics/Laboratory Corporation of America, LabCorp
Classification: Uncertain significance. Last evaluated: 2026-04-06. Review status: criteria provided, single submitter. Criteria: LabCorp Variant Classification Summary - May 2015. Collection method: clinical testing. Allele origin: germline.
Comment: Variant summary: ERBB4 c.635T>A (p.Val212Glu) results in a non-conservative amino acid change in the encoded protein sequence. Algorithms developed to predict the effect of missense changes on protein structure and function are either unavailable or do not agree on the potential impact of this missense change. The variant was absent in 251402 control chromosomes. The available data on variant occurrences in the general population are insufficient to allow any conclusion about variant significance. To our knowledge, no occurrence of c.635T>A in individuals affected with ERBB4-related conditions and no experimental evidence demonstrating its impact on protein function have been reported. No submitters have cited clinical-significance assessments for this variant to ClinVar. Based on the evidence outlined above, the variant was classified as uncertain significance.

NM_005235.3(ERBB4):c.635T>A (p.Val212Glu)

Gene: ERBB4 (erb-b2 receptor tyrosine kinase 4; minus strand). Cytogenetic location: 2q34.
Variant type: single nucleotide variant.
Coding change: c.635T>A on transcript NM_005235.3 (MANE Select); coding-DNA position 635, T replaced by A.
Protein change: p.Val212Glu; replaces valine 212 with glutamic acid.
Molecular consequence: missense variant.
Genome position (GRCh38, 1-based): chr2:211,725,182, A>T on the plus strand (T>A on the coding strand, the complement: ERBB4 is on the minus strand). VCF-style: chr2-211725182-A-T. GRCh37 (hg19) VCF-style: chr2-212589907-A-T.
Other names: c.635T>A, p.Val212Glu (NM_001042599.2, NM_001439005.1, NM_001439006.1); short protein forms V212E.
Identifiers: ClinVar variation 4848882 (VCV004848882.1).